The following is an entry in ClinVar:

ClinVar aggregate classification (germline): Uncertain significance (1 of 4 stars; one submission).

Conditions:
Dyskeratosis congenita, autosomal dominant 1 (DKCA1). Also called: Dyskeratosis congenita Scoggins type. Identifiers: Orphanet 1775, MedGen C4551974, MONDO:0007485, OMIM 127550. Inheritance: Variable.

Submission:

Labcorp Genetics (formerly Invitae), Labcorp
Classification: Uncertain significance for Dyskeratosis congenita, autosomal dominant 1. Last evaluated: 2025-10-01. Review status: criteria provided, single submitter. Criteria: Invitae Variant Classification Sherloc (09022015). Collection method: clinical testing. Allele origin: germline.
Comment: This variant occurs in the TERC gene, which encodes an RNA molecule that does not result in a protein product. This variant is not present in population databases (gnomAD no frequency). This variant has not been reported in the literature in individuals affected with TERC-related conditions. ClinVar contains an entry for this variant (Variation ID: 952099). This variant is located within the BoxH/ACA scaRNA domain of the TERC RNA component, which is required for telomerase activity (PMID: 21844345). In summary, the available evidence is currently insufficient to determine the role of this variant in disease. Therefore, it has been classified as a Variant of Uncertain Significance.

Literature cited by the submitters: PubMed 21844345.

NC_000003.12:g.169764715T>A

Genes: TERC (telomerase RNA component; minus strand), LOC110806306 (telomerase RNA component (TERC) promoter; plus strand). Cytogenetic location: 3q26.2.
Variant type: single nucleotide variant.
Genome position: GRCh38 VCF-style: chr3-169764715-T-A. GRCh37 (hg19) VCF-style: chr3-169482503-T-A.
Identifiers: ClinVar variation 952099 (VCV000952099.10), dbSNP rs1777959711, ClinGen allele CA436714983.
Genomic context (GRCh38, chr3:169,764,715, plus strand): 5'-ATCGCGCCGCGCGCGGGGACTCGCTCCGTTCCTCTTCCTGCGGCCTGAAAGGCCTGAACC[T>A]CGCCCTCGCCCCCGAGAGACCCGCGGCTGACAGAGCCCAACTCTTCGCGGTGGCAGTGGG-3'